The following is an entry in ClinVar:

ClinVar aggregate classification (germline): Likely pathogenic (1 of 4 stars; one submission).

Submission:

GeneDx
Classification: Likely pathogenic. Last evaluated: 2015-03-31. Review status: criteria provided, single submitter. Criteria: GeneDx Variant Classification (06012015). Collection method: clinical testing. Allele origin: germline. Affected: yes.
Comment: The S46Y variant has not been published as a mutation, nor has it been reported as a benign polymorphism to our knowledge. It was not observed in approximately 6,300 individuals of European and African American ancestry in the NHLBI Exome Sequencing Project, indicating it is not a common benign variant in these populations. S46Y is a semi-conservative amino acid substitution, which may impact secondary protein structure as these residues differ in some properties. This substitution occurs at a position that is conserved in mammals. In silico analysis is inconsistent in its predictions as to whether or not the variant is damaging to the protein structure/function. Missense mutations at the same codon (S46F/C) and in nearby residues (V45E/M/L, L47P/R) have been reported in the Human Gene Mutation Database in association with ELANE-related disorders (Stenson et al., 2014), supporting the functional importance of this region of the protein. Therefore, this variant is a strong candidate for a pathogenic mutation, however the possibility that it is a benign variant cannot be excluded.

NM_001972.4(ELANE):c.137C>A (p.Ser46Tyr)

Gene: ELANE (elastase, neutrophil expressed; plus strand). Cytogenetic location: 19p13.3.
Variant type: single nucleotide variant.
Coding change: c.137C>A on transcript NM_001972.4 (MANE Select); coding-DNA position 137, C replaced by A.
Protein change: p.Ser46Tyr; replaces serine 46 with tyrosine.
Molecular consequence: missense variant.
Genome position (GRCh38, 1-based): chr19:852,945, C>A. VCF-style: chr19-852945-C-A. GRCh37 (hg19) VCF-style: chr19-852945-C-A.
Other names: c.137C>A (LRG_57t1); short protein forms S46Y.
Identifiers: ClinVar variation 242295 (VCV000242295.2), dbSNP rs878855320, ClinGen allele CA10583957.